The following is an entry in ClinVar:

NM_001377.3(DYNC2H1):c.6478-1G>A

Gene: DYNC2H1 (dynein cytoplasmic 2 heavy chain 1; plus strand). Cytogenetic location: 11q22.3.
Variant type: single nucleotide variant.
Coding change: c.6478-1G>A on transcript NM_001377.3 (MANE Select); the canonical splice acceptor site of the intron before coding-DNA position 6478, G replaced by A.
Molecular consequence: splice acceptor variant.
Genome position (GRCh38, 1-based): chr11:103,184,895, G>A. VCF-style: chr11-103184895-G-A. GRCh37 (hg19) VCF-style: chr11-103055624-G-A.
Other names: c.6478-1G>A (NM_001080463.2).
Identifiers: ClinVar variation 2573829 (VCV002573829.2), dbSNP rs759367270, ClinGen allele CA382248794.

ClinVar aggregate classification (germline): Likely pathogenic. Review status: criteria provided, multiple submitters, no conflicts (2 of 4 stars). 2 submissions from 2 submitters: Likely pathogenic (2). Last evaluated 2024-04-06.

Conditions:
Asphyxiating thoracic dystrophy 3. Also called: SHORT-RIB THORACIC DYSPLASIA 3 WITH OR WITHOUT POLYDACTYLY; POLYDACTYLY WITH NEONATAL CHONDRODYSTROPHY, TYPE I; SHORT-RIB THORACIC DYSPLASIA 3/6 WITH POLYDACTYLY, DIGENIC; Short rib polydactyly syndrome 2B; Saldino-Noonan Syndrome. Identifiers: Orphanet 474, Orphanet 93269, Orphanet 93270, Orphanet 93271, MedGen C0036069, MONDO:0013127, OMIM 613091.

Allele frequency attached by ClinVar (database versions not stated): gnomAD 0.00001; TOPMed 0.00001.
gnomAD v4.1: 2 of 1,609,722 alleles (0.00012%); highest among the groups gnomAD compares: African/African-American, 0.0027%; no homozygotes.

Submissions (2):

Fulgent Genetics
Classification: Likely pathogenic for Asphyxiating thoracic dystrophy 3. Last evaluated: 2024-04-06. Review status: criteria provided, single submitter. Criteria: ACMG Guidelines, 2015. Collection method: clinical testing. Allele origin: germline.

GeneDx
Classification: Likely pathogenic. Last evaluated: 2023-07-19. Review status: criteria provided, single submitter. Criteria: GeneDx Variant Classification Process June 2021. Collection method: clinical testing. Allele origin: germline. Affected: yes.
Comment: Canonical splice site variant expected to result in aberrant splicing, although in the absence of functional evidence the actual effect of this sequence change is unknown.; Not observed at significant frequency in large population cohorts (gnomAD); Has not been previously published as pathogenic or benign to our knowledge